The following is an entry in ClinVar:

ClinVar aggregate classification (germline): Likely benign. Review status: criteria provided, single submitter (1 of 4 stars). 2 submissions from 2 submitters: Likely benign (1). 1 of the submissions does not count toward it. Last evaluated 2025-01-23.

Conditions:
XPO5-related disorder. Also called: XPO5-related condition.

Allele frequency attached by ClinVar (database versions not stated): ExAC 0.00005; gnomAD 0.00007; TOPMed 0.00015; gnomAD exomes 0.00001.
gnomAD v4.1: 31 of 1,613,876 alleles (0.0019%); highest among the groups gnomAD compares: African/African-American, 0.037%; no homozygotes.

Submissions (2):

Labcorp Genetics (formerly Invitae), Labcorp
Classification: Likely benign. Last evaluated: 2025-01-23. Review status: criteria provided, single submitter. Criteria: Invitae Variant Classification Sherloc (09022015). Collection method: clinical testing. Allele origin: germline.

PreventionGenetics, part of Exact Sciences
Classification: Likely benign for XPO5-related condition. Last evaluated: 2021-04-13. Review status: no assertion criteria provided. Collection method: clinical testing. Allele origin: germline. Not counted in ClinVar's aggregate classification.
Comment: This variant is classified as likely benign based on ACMG/AMP sequence variant interpretation guidelines (Richards et al. 2015 PMID: 25741868, with internal and published modifications).

NM_020750.3(XPO5):c.2649T>C (p.Ile883=)

Genes: POLR1C (RNA polymerase I and III subunit C; plus strand), XPO5 (exportin 5; minus strand). Cytogenetic location: 6p21.1.
Variant type: single nucleotide variant.
Coding change: c.2649T>C on transcript NM_020750.3 (MANE Select); coding-DNA position 2649, T replaced by C.
Protein change: p.Ile883=; no amino-acid change (isoleucine 883 retained).
Molecular consequence: synonymous variant. On other transcripts: non-coding transcript variant (1), intron variant (1).
Genome position (GRCh38, 1-based): chr6:43,530,716, A>G on the plus strand (T>C on the coding strand, the complement: XPO5 is on the minus strand). VCF-style: chr6-43530716-A-G. GRCh37 (hg19) VCF-style: chr6-43498454-A-G.
Other names: c.922+9668A>G (NM_001363658.2).
Identifiers: ClinVar variation 3032485 (VCV003032485.4), dbSNP rs772235929, ClinGen allele CA3826087.